The following is an entry in ClinVar:

ClinVar aggregate classification (germline): Likely benign. Review status: criteria provided, multiple submitters, no conflicts (2 of 4 stars). 2 submissions from 2 submitters: Likely benign (2). Last evaluated 2025-06-09.

Conditions:
CEP164-related disorder. Also called: CEP164-related condition.
Nephronophthisis 15 (NPHP15). Identifiers: Orphanet 3156, MedGen C3541853, MONDO:0013917, OMIM 614845.

gnomAD v4.1: 13 of 1,571,342 alleles (0.00083%); highest among the groups gnomAD compares: Non-Finnish European, 0.0011%; no homozygotes.

Submissions (2):

Labcorp Genetics (formerly Invitae), Labcorp
Classification: Likely benign for Nephronophthisis 15. Last evaluated: 2025-06-09. Review status: criteria provided, single submitter. Criteria: Invitae Variant Classification Sherloc (09022015). Collection method: clinical testing. Allele origin: germline.

PreventionGenetics, part of Exact Sciences
Classification: Likely benign for CEP164-related condition. Last evaluated: 2025-03-21. Review status: criteria provided, single submitter. Criteria: ACMG Guidelines, 2015. Collection method: clinical testing. Allele origin: germline.
Comment: This variant is classified as likely benign based on ACMG/AMP sequence variant interpretation guidelines (Richards et al. 2015 PMID: 25741868, with internal and published modifications).

NM_014956.5(CEP164):c.387T>C (p.Ser129=)

Gene: CEP164 (centrosomal protein 164; plus strand). Cytogenetic location: 11q23.3.
Variant type: single nucleotide variant.
Coding change: c.387T>C on transcript NM_014956.5 (MANE Select); coding-DNA position 387, T replaced by C.
Protein change: p.Ser129=; no amino-acid change (serine 129 retained).
Molecular consequence: synonymous variant.
Genome position (GRCh38, 1-based): chr11:117,351,982, T>C. VCF-style: chr11-117351982-T-C. GRCh37 (hg19) VCF-style: chr11-117222698-T-C.
Other names: c.387T>C, p.Ser129= (NM_001271933.2); c.387T>C (NM_014956.4).
Identifiers: ClinVar variation 3619362 (VCV003619362.3).
Genomic context (GRCh38, chr11:117,351,982, plus strand): 5'-TAAGAAGAAGAAAAAAAAAAAGGAAAAGAAAGACAAGAAGGACAGAGACCCCCCCAAAAG[T>C]TCGCTGGTGAGTCAGTGGATGCCTCCTCCCAGAGAGGCCAGGGCTGAAATCTGGAGGGAT-3'
Protein context (NP_055771.4, residues 119-139): KDKKDRDPPK[Ser129=]SLALGSSLAP